The following is an entry in ClinVar:

NM_000038.6(APC):c.2413C>T (p.Arg805Ter)

Gene: APC (APC regulator of Wnt signaling pathway; plus strand). Cytogenetic location: 5q22.2.
Variant type: single nucleotide variant.
Coding change: c.2413C>T on transcript NM_000038.6 (MANE Select); coding-DNA position 2413, C replaced by T.
Protein change: p.Arg805Ter; replaces arginine 805 with a stop codon.
Molecular consequence: nonsense.
Genome position (GRCh38, 1-based): chr5:112,838,007, C>T. VCF-style: chr5-112838007-C-T. GRCh37 (hg19) VCF-style: chr5-112173704-C-T.
Other names: c.2413C>T, p.Arg805Ter (NM_001127510.3, NM_001354895.2); c.2359C>T, p.Arg787Ter (NM_001127511.3); c.2467C>T, p.Arg823Ter (NM_001354896.2); c.2443C>T, p.Arg815Ter (NM_001354897.2); c.2338C>T, p.Arg780Ter (NM_001354898.2); c.2329C>T, p.Arg777Ter (NM_001354899.2); c.2290C>T, p.Arg764Ter (NM_001354900.2); c.2236C>T, p.Arg746Ter (NM_001354901.2); and 5 more; short protein forms R805*, R787*, R679*, R714*, R746*, R777*, R823*, R522*.
Identifiers: ClinVar variation 127281 (VCV000127281.37), dbSNP rs587779783, ClinGen allele CA007452.

ClinVar aggregate classification (germline): Pathogenic. Review status: criteria provided, multiple submitters, no conflicts (2 of 4 stars). 12 submissions from 12 submitters: Pathogenic (9). 3 of the submissions do not count toward it. Last evaluated 2025-06-25.
ClinVar aggregate classification (oncogenicity): Oncogenic (1 of 4 stars; one submission).

Conditions:
Familial adenomatous polyposis 1 (FAP1). Also called: FAMILIAL ADENOMATOUS POLYPOSIS 1, ATTENUATED; POLYPOSIS, ADENOMATOUS INTESTINAL. Identifiers: MedGen C2713442, MONDO:0021056, OMIM 175100. Disease mechanism: loss of function.
Gastric adenocarcinoma and proximal polyposis of the stomach (GAPPS). Also called: Gastric Adenocarcinoma and Proximal Polyposis of the Stomach (GAPPS); Polyposis, gastric, Dos Santos and de Magalhaes 1980; POLYPOSIS, GASTRIC. Identifiers: Orphanet 314022, MedGen C4749917, MONDO:0017790, OMIM 619182.
APC-related attenuated familial adenomatous polyposis. Identifiers: MedGen CN276349, MONDO:0016613.
Hereditary cancer-predisposing syndrome. Also called: Hereditary Cancer Syndrome; Hereditary neoplastic syndrome; Tumor predisposition; Neoplastic Syndromes, Hereditary. Identifiers: Orphanet 140162, MedGen C0027672, MeSH D009386, MONDO:0015356.
Classic or attenuated familial adenomatous polyposis. Identifiers: MedGen CN372698, MONDO:0021057.
APC-related disorder. Also called: APC-related condition.
Familial multiple polyposis syndrome (FAP). Also called: Familial Adenomatous Polyposis (FAP); Familial adenomatous polyposis; Familial intestinal polyposis; Familial polyposis; Classic familial adenomatous polyposis. Identifiers: Orphanet 733, MedGen C0032580, MONDO:0021055. Disease mechanism: loss of function.
Desmoid disease, hereditary (DESMD). Also called: FIBROMATOSIS, FAMILIAL INFILTRATIVE. Identifiers: Orphanet 873, MedGen C1851124, OMIM 135290. Disease mechanism: loss of function.
Neoplasm. Also called: tumor; Neoplasms; Neoplasm (disease). Identifiers: MedGen C0027651, MeSH D009369, MONDO:0005070, HP:0002664.

Submissions 1 to 10 of 13:

Ambry Genetics
Classification: Pathogenic for Hereditary cancer-predisposing syndrome. Last evaluated: 2025-06-25. Review status: criteria provided, single submitter. Criteria: Ambry Variant Classification Scheme 2023. Collection method: clinical testing. Allele origin: germline.
Comment: The p.R805* pathogenic mutation (also known as c.2413C>T), located in coding exon 15 of the APC gene, results from a C to T substitution at nucleotide position 2413. This changes the amino acid from an arginine to a stop codon within coding exon 15. This alteration occurs at the 3' terminus of theAPC gene, is not expected to trigger nonsense-mediated mRNA decay, and impacts the last 72% of the protein. However, premature stop codons are typically deleterious in nature and a significant portion of the protein is affected (Ambry internal data). This variant has been reported in individuals with features consistent with APC-related familial adenomatous polyposis (FAP) (Dobbie Z et al. J. Med. Genet., 1996 Apr;33:274-80; Gutierrez Sanchez LH et al. Gastrointest Endosc, 2018 Mar;87:648-656.e3). This variant is considered to be rare based on population cohorts in the Genome Aggregation Database (gnomAD). Based on the supporting evidence, this variant is interpreted as a disease-causing mutation.

Labcorp Genetics (formerly Invitae), Labcorp
Classification: Pathogenic for Familial adenomatous polyposis 1. Last evaluated: 2025-05-11. Review status: criteria provided, single submitter. Criteria: Invitae Variant Classification Sherloc (09022015). Collection method: clinical testing. Allele origin: germline.
Comment: This sequence change creates a premature translational stop signal (p.Arg805*) in the APC gene. While this is not anticipated to result in nonsense mediated decay, it is expected to disrupt the last 2039 amino acid(s) of the APC protein. This variant is not present in population databases (gnomAD no frequency). This premature translational stop signal has been observed in individual(s) with familial adenomatous polyposis (PMID: 8730280, 19531215, 20223039, 20649969, 20924072, 30897307). ClinVar contains an entry for this variant (Variation ID: 127281). This variant is expected to disrupt the EB1 and HDLG binding sites, which mediate interactions with the cytoskeleton (PMID: 15311282, 17293347). While functional studies have not been performed to directly test the effect on APC protein function, this suggests that disruption of the C-terminal portion of the protein is functionally important. A different truncation (p.Tyr2645Lysfs*14) that lies downstream of this variant has been determined to be pathogenic (PMID: 9824584, 1316610, 27081525, 8381579, 22135120, internal data). This suggests that deletion of this region of the APC protein is causative of disease. For these reasons, this variant has been classified as Pathogenic.

Center for Genomic Medicine, Rigshospitalet, Copenhagen University Hospital
Classification: Oncogenic for Neoplasm. Last evaluated: 2025-03-04. Review status: criteria provided, single submitter. Criteria: ClinGen/CGC/VICC Guidelines for Oncogenicity, 2022. Collection method: clinical testing. Allele origin: somatic. Affected: yes.

All of Us Research Program, National Institutes of Health
Classification: Pathogenic for Classic or attenuated familial adenomatous polyposis. Last evaluated: 2023-07-09. Review status: criteria provided, single submitter. Criteria: ACMG Guidelines, 2015. Collection method: clinical testing. Allele origin: germline. Inheritance: Autosomal dominant inheritance. Observed: 1 variant allele, 1 heterozygote.
Comment: The c.2413C>T (p.Arg805*) variant in the APC gene is located on the exon 16 and is predicted to introduce a premature translation termination codon (p.Arg805*), resulting in an absent or disrupted protein product. The variant has been reported in multiple individuals with familial adenomatous polyposis (PMID: 30897307, 31113927, 26446593, 19029688, 20649969). Loss-of-function variants of APC are known to be pathogenic and frameshift/truncating variants located upstream and downstream to this position have been reported in individuals with familial adenomatous polyposis/colorectal cancer (PMID: 26446593, 23159591, 31591141, 33769591). The variant is reported in ClinVar as pathogenic (ID: 127281). The variant is absent in the general population database (gnomAD). Therefore, the c.2413C>T (p.Arg805*) variant of APC has been classified as pathogenic.

This study involves interpretation of variants in research participants for the purpose of population health screening. Participant phenotype was not available at the time of variant classification. Additional details can be found in publication PMID: 35346344, PMCID: PMC8962531

Myriad Genetics, Inc.
Classification: Pathogenic for Familial adenomatous polyposis 1. Last evaluated: 2023-05-04. Review status: criteria provided, single submitter. Criteria: Myriad Autosomal Dominant, Autosomal Recessive and X-Linked Classification Criteria (2023). Collection method: clinical testing. Allele origin: unknown.
Comment: This variant is considered pathogenic. This variant creates a termination codon and is predicted to result in premature protein truncation.

Clinical Genetics Laboratory, Skane University Hospital Lund
Classification: Pathogenic. Last evaluated: 2022-05-27. Review status: criteria provided, single submitter. Criteria: ACMG Guidelines, 2015. Collection method: clinical testing. Allele origin: germline. Affected: yes.

Women's Health and Genetics/Laboratory Corporation of America, LabCorp
Classification: Pathogenic for Familial multiple polyposis syndrome. Last evaluated: 2021-10-15. Review status: criteria provided, single submitter. Criteria: LabCorp Variant Classification Summary - May 2015. Collection method: clinical testing. Allele origin: germline.
Comment: Variant summary: APC c.2413C>T (p.Arg805X) results in a premature termination codon located in the last exon, which is not expected to cause nonsense mediated decay (NMD), but is predicted to cause a large truncation of the encoded protein, removing the basic domain (amino acids 2224-2575; IPR009234) and the EB-1 binding domain (amino acid 2670-2843; IPR009232). Truncations downstream of this position have been classified as pathogenic by our laboratory. The variant was absent in 250860 control chromosomes (gnomAD). c.2413C>T has been reported in the literature in multiple individuals affected with Familial Adenomatous Polyposis (e.g. Dobbie_1996, Iaquinto_2008, deOliveira_2019). These data indicate that the variant is very likely to be associated with disease. To our knowledge, no experimental evidence demonstrating an impact on protein function has been reported. Five clinical diagnostic laboratories have submitted clinical-significance assessments for this variant to ClinVar after 2014, and all of them classified the variant as pathogenic. Based on the evidence outlined above, the variant was classified as pathogenic.

Baylor Genetics
Classification: Pathogenic for Desmoid disease, hereditary. Last evaluated: 2020-10-15. Review status: criteria provided, single submitter. Criteria: ACMG Guidelines, 2015. Collection method: clinical testing. Allele origin: de novo. Affected: yes. Study: CSER-TexasKidsCanSeq.
Comment: This variant was determined to be pathogenic according to ACMG Guidelines, 2015 [PMID:25741868]. This variant has been previously reported as disease-causing [PMID 8730280, 30897307; ClinVar 127281]

Clinical Genetics and Genomics, Karolinska University Hospital
Classification: Pathogenic. Last evaluated: 2019-10-01. Review status: criteria provided, single submitter. Criteria: ACMG Guidelines, 2015. Collection method: clinical testing. Allele origin: germline. Affected: yes. Observed: 1 variant allele.

Department of Pathology and Laboratory Medicine, Sinai Health System
Classification: Pathogenic for Familial multiple polyposis syndrome. Last evaluated: 2015-09-01. Review status: criteria provided, single submitter. Criteria: ACMG Guidelines, 2015. Collection method: clinical testing. Allele origin: germline. Affected: yes. Study: Canadian Open Genetics Repository (COGR).